The following is an entry in ClinVar:

NM_003640.5(ELP1):c.1758T>G (p.Pro586=)

Gene: ELP1 (elongator acetyltransferase complex subunit 1; minus strand). Cytogenetic location: 9q31.3.
Variant type: single nucleotide variant.
Coding change: c.1758T>G on transcript NM_003640.5 (MANE Select); coding-DNA position 1758, T replaced by G.
Protein change: p.Pro586=; no amino-acid change (proline 586 retained).
Molecular consequence: synonymous variant.
Genome position (GRCh38, 1-based): chr9:108,902,935, A>C on the plus strand (T>G on the coding strand, the complement: ELP1 is on the minus strand). VCF-style: chr9-108902935-A-C. GRCh37 (hg19) VCF-style: chr9-111665215-A-C.
Other names: p.Pro586=; c.1416T>G, p.Pro472= (NM_001318360.2); c.711T>G, p.Pro237= (NM_001330749.2); c.1758T>G (LRG_251t1).
Identifiers: ClinVar variation 364572 (VCV000364572.35), dbSNP rs35054425, ClinGen allele CA5174906.
Genomic context (GRCh38, chr9:108,902,935, plus strand): 5'-TGGATAAGGAAACCGAACAGGAAATCCACCAGAGTTCTTCCATGGTTTAATAGCCAGAGA[A>C]GGTGACTCTGCAAGATTCACAGATCTAGTTCACAAATAGCTGATGCGCTCTTTGCAAAAA-3'
Protein context (NP_003631.2, residues 576-596): GQIFKYLWES[Pro586=]SLAIKPWKNS

ClinVar aggregate classification (germline): Benign/Likely benign. Review status: criteria provided, multiple submitters, no conflicts (2 of 4 stars). 9 submissions from 9 submitters: Benign (6); Likely benign (2). 1 of the submissions does not count toward it. Last evaluated 2026-02-04.

Conditions:
Familial dysautonomia. Also called: HSAN III; FD. Identifiers: Orphanet 1764, MedGen C0013364, MONDO:0009131, OMIM 223900. Disease mechanism: loss of function.

Allele frequency attached by ClinVar (database versions not stated): gnomAD 0.00792 and 0.00958; TOPMed 0.00849; ESP Exome Variant Server 0.01069; 1000 Genomes Project 30x 0.01390; 1000 Genomes Project 0.01458; gnomAD exomes 0.01577; ExAC 0.01648.
gnomAD v4.1: 23,786 of 1,613,206 alleles (1.5%); highest among the groups gnomAD compares: South Asian, 6.1%; 388 homozygotes.

Submissions (9):

Labcorp Genetics (formerly Invitae), Labcorp
Classification: Benign. Last evaluated: 2026-02-04. Review status: criteria provided, single submitter. Criteria: Invitae Variant Classification Sherloc (09022015). Collection method: clinical testing. Allele origin: germline.

ARUP Laboratories, Molecular Genetics and Genomics, ARUP Laboratories
Classification: Benign. Last evaluated: 2025-03-06. Review status: criteria provided, single submitter. Criteria: ARUP Molecular Germline Variant Investigation Process 2024. Collection method: clinical testing. Allele origin: germline.

Genome-Nilou Lab
Classification: Benign for Familial dysautonomia. Last evaluated: 2021-05-18. Review status: criteria provided, single submitter. Criteria: ACMG Guidelines, 2015. Collection method: clinical testing. Allele origin: germline. Affected: no.

Mayo Clinic Laboratories, Mayo Clinic
Classification: Benign. Last evaluated: 2021-05-06. Review status: criteria provided, single submitter. Criteria: ACMG Guidelines, 2015. Collection method: clinical testing. Allele origin: germline. Observed: 58 variant alleles.

Illumina Laboratory Services, Illumina
Classification: Likely benign for Familial dysautonomia. Last evaluated: 2018-01-13. Review status: criteria provided, single submitter. Criteria: ICSL Variant Classification Criteria 13 December 2019. Collection method: clinical testing. Allele origin: germline.
Comment: This variant was observed in the ICSL laboratory as part of a predisposition screen in an ostensibly healthy population. It had not been previously curated by ICSL or reported in the Human Gene Mutation Database (HGMD: prior to June 1st, 2018), and was therefore a candidate for classification through an automated scoring system. Utilizing variant allele frequency, disease prevalence and penetrance estimates, and inheritance mode, an automated score was calculated to assess if this variant is too frequent to cause the disease. Based on the score and internal cut-off values, a variant classified as likely benign is not then subjected to further curation. The score for this variant resulted in a classification of likely benign for this disease.

Women's Health and Genetics/Laboratory Corporation of America, LabCorp
Classification: Benign. Last evaluated: 2017-08-22. Review status: criteria provided, single submitter. Criteria: LabCorp Variant Classification Summary - May 2015. Collection method: clinical testing. Allele origin: germline.
Comment: Variant summary: The IKBKAP c.1758T>G (p.Pro586Pro) variant involves the alteration of a non-conserved nucleotide, resulting in a synonymous change. One in silico tool predicts a polymorphism outcome for this variant. 5/5 splice prediction tools predict no significant impact on normal splicing. ESE finder predicts that this variant may affect ESE sites. However, these predictions have yet to be confirmed by functional studies. This variant was found in 1977/119930 control chromosomes (50 homozygotes) at a frequency of 0.0164846, which is approximately 9 times the estimated maximal expected allele frequency of a pathogenic IKBKAP variant (0.001838), suggesting this variant is likely a benign polymorphism. In addition, one clinical diagnostic laboratory classified this variant as benign and another lab classified it as uncertain significance, all without evidence for independent evaluation. The variant of interest has not, to our knowledge, been reported in affected individuals via publications; nor evaluated for functional impact by in vivo/vitro studies. Taken together, this variant is classified as benign.

GeneDx
Classification: Benign. Last evaluated: 2015-03-03. Review status: criteria provided, single submitter. Criteria: GeneDx Variant Classification Process June 2021. Collection method: clinical testing. Allele origin: germline. Affected: yes.

Breakthrough Genomics
Classification: Likely benign. Review status: criteria provided, single submitter. Criteria: ACMG Guidelines, 2015. Collection method: not provided. Allele origin: germline. Inheritance: Autosomal recessive inheritance. Affected: yes.

Natera, Inc.
Classification: Benign for Familial dysautonomia. Last evaluated: 2017-05-10. Review status: no assertion criteria provided. Collection method: clinical testing. Allele origin: germline. Not counted in ClinVar's aggregate classification.